The following is an entry in ClinVar:

ClinVar aggregate classification (germline): Uncertain significance (1 of 4 stars; one submission).

Conditions:
Dilated cardiomyopathy 1G (CMD1G). Identifiers: Orphanet 154, MedGen C1858763, MONDO:0011400, OMIM 604145.
Autosomal recessive limb-girdle muscular dystrophy type 2J (LGMDR10). Also called: Limb-girdle muscular dystrophy, type 2J; MUSCULAR DYSTROPHY, LIMB-GIRDLE, AUTOSOMAL RECESSIVE 10. Identifiers: Orphanet 140922, MedGen C1837342, MONDO:0012127, OMIM 608807.

Allele frequency attached by ClinVar (database versions not stated): gnomAD exomes below 0.00001; TOPMed below 0.00001.

Submission:

Labcorp Genetics (formerly Invitae), Labcorp
Classification: Uncertain significance for Dilated cardiomyopathy 1G; Autosomal recessive limb-girdle muscular dystrophy type 2J. Last evaluated: 2022-08-22. Review status: criteria provided, single submitter. Criteria: Invitae Variant Classification Sherloc (09022015). Collection method: clinical testing. Allele origin: germline.
Comment: In summary, the available evidence is currently insufficient to determine the role of this variant in disease. Therefore, it has been classified as a Variant of Uncertain Significance. This variant is located in the A band of TTN (PMID: 25589632). Variants in this region may be relevant for cardiac or neuromuscular disorders (PMID: 25589632, 23975875). Experimental studies and prediction algorithms are not available or were not evaluated, and the functional significance of this variant is currently unknown. This missense change has been observed in individual(s) with autosomal recessive congenital myopathy (PMID: 30365001). In at least one individual the data is consistent with being in trans (on the opposite chromosome) from a pathogenic variant. This variant is present in population databases (no rsID available, gnomAD 0.003%). This sequence change replaces proline, which is neutral and non-polar, with arginine, which is basic and polar, at codon 21563 of the TTN protein (p.Pro21563Arg).

Literature cited by the submitters: PubMed 25589632; PubMed 23975875; PubMed 30365001.

NM_001267550.2(TTN):c.64688C>G (p.Pro21563Arg)

Genes: TTN (titin; minus strand), TTN-AS1 (TTN antisense RNA 1; plus strand). Cytogenetic location: 2q31.2.
Variant type: single nucleotide variant.
Coding change: c.64688C>G on transcript NM_001267550.2 (MANE Select); coding-DNA position 64688, C replaced by G.
Protein change: p.Pro21563Arg; replaces proline 21563 with arginine.
Molecular consequence: missense variant. On other transcripts: non-coding transcript variant (1).
Genome position (GRCh38, 1-based): chr2:178,584,953, G>C on the plus strand (C>G on the coding strand, the complement: TTN is on the minus strand). VCF-style: chr2-178584953-G-C. GRCh37 (hg19) VCF-style: chr2-179449680-G-C.
Other names: c.59765C>G, p.Pro19922Arg (NM_001256850.1); c.37493C>G, p.Pro12498Arg (NM_003319.4); c.56984C>G, p.Pro18995Arg (NM_133378.4); c.37868C>G, p.Pro12623Arg (NM_133432.3); c.38069C>G, p.Pro12690Arg (NM_133437.4); short protein forms P12690R, P12623R, P18995R, P19922R, P12498R, P21563R.
Identifiers: ClinVar variation 2194624 (VCV002194624.4), dbSNP rs751700216, ClinGen allele CA349437339.